The following is an entry in ClinVar:

NM_004667.6(HERC2):c.6488T>C (p.Ile2163Thr)

Gene: HERC2 (HECT and RLD domain containing E3 ubiquitin protein ligase 2; minus strand). Cytogenetic location: 15q13.1.
Variant type: single nucleotide variant.
Coding change: c.6488T>C on transcript NM_004667.6 (MANE Select); coding-DNA position 6488, T replaced by C.
Protein change: p.Ile2163Thr; replaces isoleucine 2163 with threonine.
Molecular consequence: missense variant.
Genome position (GRCh38, 1-based): chr15:28,214,143, A>G on the plus strand (T>C on the coding strand, the complement: HERC2 is on the minus strand). VCF-style: chr15-28214143-A-G. GRCh37 (hg19) VCF-style: chr15-28459289-A-G.
Other names: short protein forms I2163T.
Identifiers: ClinVar variation 373553 (VCV000373553.1), dbSNP rs1057518478, ClinGen allele CA16042912.

ClinVar aggregate classification (germline): Uncertain significance (1 of 4 stars; one submission).

Submission:

GeneDx
Classification: Uncertain significance. Last evaluated: 2016-12-08. Review status: criteria provided, single submitter. Criteria: GeneDx Variant Classification (06012015). Collection method: clinical testing. Allele origin: germline. Affected: yes.
Comment: The I2163T variant in the HERC2 gene has not been reported previously as a pathogenic variant, nor as a benign variant, to our knowledge. The I2163T variant was not observed in approximately 6,500 individuals of European and African American ancestry in the NHLBI Exome Sequencing Project, indicating it is not a common benign variant in these populations. The I2163T variant is a non-conservative amino acid substitution, which is likely to impact secondary protein structure as these residues differ in polarity, charge, size and/or other properties. This substitution occurs at a position where amino acids with similar properties to Isoleucine are tolerated across species. In silico analysis predicts this variant is probably damaging to the protein structure/function. We interpret I2163T as a variant of uncertain significance.